The following is an entry in ClinVar:

NM_017547.4(FOXRED1):c.379C>T (p.Leu127Phe)

Gene: FOXRED1 (FAD dependent oxidoreductase domain containing 1; plus strand). Cytogenetic location: 11q24.2.
Variant type: single nucleotide variant.
Coding change: c.379C>T on transcript NM_017547.4 (MANE Select); coding-DNA position 379, C replaced by T.
Protein change: p.Leu127Phe; replaces leucine 127 with phenylalanine.
Molecular consequence: missense variant. On other transcripts: non-coding transcript variant (2).
Genome position (GRCh38, 1-based): chr11:126,273,041, C>T. VCF-style: chr11-126273041-C-T. GRCh37 (hg19) VCF-style: chr11-126142936-C-T.
Other names: short protein forms L127F.
Identifiers: ClinVar variation 450993 (VCV000450993.2), dbSNP rs1555063822, ClinGen allele CA383229495.

ClinVar aggregate classification (germline): Uncertain significance (1 of 4 stars; one submission).

Submission:

GeneDx
Classification: Uncertain significance. Last evaluated: 2017-08-03. Review status: criteria provided, single submitter. Criteria: GeneDx Variant Classification (06012015). Collection method: clinical testing. Allele origin: germline. Affected: yes.
Comment: The L127F variant in the FOXRED1 gene has not been reported previously as a pathogenic variant, nor as a benign variant, to our knowledge. This variant is not observed in large population cohorts (Lek et al., 2016; 1000 Genomes Consortium et al., 2015; Exome Variant Server). The L127F variant is a conservative amino acid substitution, which is not likely to impact secondary protein structure as these residues share similar properties. This substitution occurs at a position where amino acids with similar properties to Leucine are tolerated across species. In silico analysis predicts this variant is probably damaging to the protein structure/function. Based on currently available evidence, we interpret L127F as a variant of uncertain significance.